The following is an entry in ClinVar:

NM_022437.3(ABCG8):c.1360A>G (p.Met454Val)

Gene: ABCG8 (ATP binding cassette subfamily G member 8; plus strand). Cytogenetic location: 2p21.
Variant type: single nucleotide variant.
Coding change: c.1360A>G on transcript NM_022437.3 (MANE Select); coding-DNA position 1360, A replaced by G.
Protein change: p.Met454Val; replaces methionine 454 with valine.
Molecular consequence: missense variant.
Genome position (GRCh38, 1-based): chr2:43,873,935, A>G. VCF-style: chr2-43873935-A-G. GRCh37 (hg19) VCF-style: chr2-44101074-A-G.
Other names: p.Met454Val; c.1360A>G (NM_022437.2); c.1357A>G, p.Met453Val (NM_001357321.2); short protein forms M453V, M454V.
Identifiers: ClinVar variation 4540643 (VCV004540643.2).

ClinVar aggregate classification (germline): Uncertain significance. Review status: criteria provided, multiple submitters, no conflicts (2 of 4 stars). 2 submissions from 2 submitters: Uncertain significance (2). Last evaluated 2026-04-28.

Conditions:
ABCG8-related disorder. Also called: ABCG8-related condition.

gnomAD v4.1: 2 of 1,614,070 alleles (0.00012%); highest among the groups gnomAD compares: Non-Finnish European, 0.00017%; no homozygotes.

Submissions (2):

PreventionGenetics, part of Exact Sciences
Classification: Uncertain significance for ABCG8-related condition. Last evaluated: 2026-04-28. Review status: criteria provided, single submitter. Criteria: ACMG Guidelines, 2015. Collection method: clinical testing. Allele origin: germline.
Comment: The ABCG8 c.1360A>G variant is predicted to result in the amino acid substitution p.Met454Val. This variant was reported in an individual with Intrahepatic cholestasis (Ciocan et al. 2019. PubMed ID: 31335361). This variant was also reported in an individual with Sitosterolemia with macrothrombocytopenia, although it was not thought to be causative (Stefanucci et al. 2023. PubMed ID: 37647632). This variant has not been reported in a large population database (gnomAD), indicating this variant is rare. At this time, the clinical significance of this variant is uncertain due to the absence of conclusive functional and genetic evidence.

Mayo Clinic Laboratories, Mayo Clinic
Classification: Uncertain significance. Last evaluated: 2024-11-08. Review status: criteria provided, single submitter. Criteria: ACMG Guidelines, 2015. Collection method: clinical testing. Allele origin: germline. Observed: 1 variant allele.
Comment: BP4, PM2_supporting

Literature cited by the submitters: PubMed 31335361 (cited by Mayo Clinic Laboratories, Mayo Clinic).